The following is an entry in ClinVar:

ClinVar aggregate classification (germline): Pathogenic (1 of 4 stars; one submission).

Conditions:
Duchenne muscular dystrophy (DMD). Also called: MUSCULAR DYSTROPHY, PSEUDOHYPERTROPHIC PROGRESSIVE, DUCHENNE TYPE; Duchenne Muscular Dystrophy (DMD). Identifiers: Orphanet 98896, MedGen C0013264, MONDO:0010679, OMIM 310200.

Submission:

Labcorp Genetics (formerly Invitae), Labcorp
Classification: Pathogenic for Duchenne muscular dystrophy. Last evaluated: 2022-01-12. Review status: criteria provided, single submitter. Criteria: Invitae Variant Classification Sherloc (09022015). Collection method: clinical testing. Allele origin: germline.
Comment: For these reasons, this variant has been classified as Pathogenic. This variant has not been reported in the literature in individuals affected with DMD-related conditions. This variant is a gross deletion of the genomic region encompassing exon(s) 44-55 of the DMD gene. This deletion is out-of-frame, and is expected to create a premature termination codon and result in an absent or disrupted protein product. Loss-of-function variants in DMD are known to be pathogenic (PMID: 16770791, 25007885).

Literature cited by the submitters: PubMed 16770791; PubMed 25007885.

NC_000023.10:g.(?_31627738)_(32235190_?)del

Gene: DMD (dystrophin; minus strand). Cytogenetic location: Xp21.1.
Variant type: Deletion.
Identifiers: ClinVar variation 1075915 (VCV001075915.7).